The following is an entry in ClinVar:

ClinVar aggregate classification (germline): Uncertain significance (1 of 4 stars; one submission).

Conditions:
Cardiovascular phenotype. Identifiers: MedGen CN230736.

Allele frequency attached by ClinVar (database versions not stated): TOPMed below 0.00001.
gnomAD v4.1: 1 of 1,535,056 alleles (0.000065%); highest among the groups gnomAD compares: African/African-American, 0.0014%; no homozygotes.

Submission:

Ambry Genetics
Classification: Uncertain significance for Cardiovascular phenotype. Last evaluated: 2023-12-15. Review status: criteria provided, single submitter. Criteria: Ambry Variant Classification Scheme 2023. Collection method: clinical testing. Allele origin: germline.
Comment: The p.R1093T variant (also known as c.3278G>C), located in coding exon 2 of the ZNF469 gene, results from a G to C substitution at nucleotide position 3278. The arginine at codon 1093 is replaced by threonine, an amino acid with similar properties. This amino acid position is conserved. In addition, this alteration is predicted to be tolerated by in silico analysis. Since supporting evidence is limited at this time, the clinical significance of this alteration remains unclear.

NM_001367624.2(ZNF469):c.3362G>C (p.Arg1121Thr)

Gene: ZNF469 (zinc finger protein 469; plus strand). Cytogenetic location: 16q24.2.
Variant type: single nucleotide variant.
Coding change: c.3362G>C on transcript NM_001367624.2 (MANE Select); coding-DNA position 3362, G replaced by C.
Protein change: p.Arg1121Thr; replaces arginine 1121 with threonine.
Molecular consequence: missense variant.
Genome position (GRCh38, 1-based): chr16:88,430,832, G>C. VCF-style: chr16-88430832-G-C. GRCh37 (hg19) VCF-style: chr16-88497240-G-C.
Other names: NM_001127464.1:c.3278G>C; short protein forms R1121T.
Identifiers: ClinVar variation 3232787 (VCV003232787.1), dbSNP rs1906114994, ClinGen allele CA397080392.